The following is an entry in ClinVar:

NM_000081.4(LYST):c.5668A>G (p.Ile1890Val)

Gene: LYST (lysosomal trafficking regulator; minus strand). Cytogenetic location: 1q42.3.
Variant type: single nucleotide variant.
Coding change: c.5668A>G on transcript NM_000081.4 (MANE Select); coding-DNA position 5668, A replaced by G.
Protein change: p.Ile1890Val; replaces isoleucine 1890 with valine.
Molecular consequence: missense variant.
Genome position (GRCh38, 1-based): chr1:235,773,958, T>C on the plus strand (A>G on the coding strand, the complement: LYST is on the minus strand). VCF-style: chr1-235773958-T-C. GRCh37 (hg19) VCF-style: chr1-235937258-T-C.
Other names: c.5668A>G, p.Ile1890Val (NM_001301365.1); short protein forms I1890V.
Identifiers: ClinVar variation 2064243 (VCV002064243.4), dbSNP rs2527962683, ClinGen allele CA344950767.

ClinVar aggregate classification (germline): Uncertain significance (1 of 4 stars; one submission).

Conditions:
Chédiak-Higashi syndrome (CHS). Also called: Chediak-Higashi Syndrome. Identifiers: Orphanet 167, MedGen C0007965, MONDO:0008963, OMIM 214500.

Submission:

Labcorp Genetics (formerly Invitae), Labcorp
Classification: Uncertain significance for Chédiak-Higashi syndrome. Last evaluated: 2023-01-24. Review status: criteria provided, single submitter. Criteria: Invitae Variant Classification Sherloc (09022015). Collection method: clinical testing. Allele origin: germline.
Comment: Advanced modeling of protein sequence and biophysical properties (such as structural, functional, and spatial information, amino acid conservation, physicochemical variation, residue mobility, and thermodynamic stability) performed at Invitae indicates that this missense variant is not expected to disrupt LYST protein function. In summary, the available evidence is currently insufficient to determine the role of this variant in disease. Therefore, it has been classified as a Variant of Uncertain Significance. This variant has not been reported in the literature in individuals affected with LYST-related conditions. This variant is not present in population databases (gnomAD no frequency). This sequence change replaces isoleucine, which is neutral and non-polar, with valine, which is neutral and non-polar, at codon 1890 of the LYST protein (p.Ile1890Val).